The following is an entry in ClinVar:

ClinVar aggregate classification (germline): VUS-high (1 of 4 stars; one submission).

Conditions:
Charcot-Marie-Tooth disease recessive intermediate C. Also called: CHARCOT-MARIE-TOOTH NEUROPATHY, RECESSIVE INTERMEDIATE C. Identifiers: Orphanet 369867, MedGen C3809309, MONDO:0014154, OMIM 615376.

Submission:

Genetic Diseases Diagnostic Center, Koc University Hospital
Classification: VUS-high for Charcot-Marie-Tooth disease recessive intermediate C. Last evaluated: 2026-01-31. Review status: criteria provided, single submitter. Criteria: ACMG Guidelines, 2015. Collection method: clinical testing. Allele origin: biparental. Inheritance: Autosomal recessive inheritance. Affected: yes.
Comment: This variant affects a canonical splice site, and it is predicted to cause a splicing defect (splice AI score: 0.94; Pangolin score: 0.76) (PP3). It has not been reported in population databases (PM2). There is no functional evidence in the literature indicating that this variant has a deleterious effect. In summary, there is insufficient evidence to classify this variant as likely pathogenic or pathogenic. It is classified as variant of uncertain significance (VUS-high) based on the ACMG/AMP criteria.

NM_020631.6(PLEKHG5):c.1542+3A>T

Gene: PLEKHG5 (pleckstrin homology and RhoGEF domain containing G5; minus strand). Cytogenetic location: 1p36.31.
Variant type: single nucleotide variant.
Coding change: c.1542+3A>T on transcript NM_020631.6 (MANE Select); 3 bases into the intron after coding-DNA position 1542, A replaced by T.
Molecular consequence: intron variant.
Genome position (GRCh38, 1-based): chr1:6,470,732, T>A on the plus strand (A>T on the coding strand, the complement: PLEKHG5 is on the minus strand). VCF-style: chr1-6470732-T-A. GRCh37 (hg19) VCF-style: chr1-6530792-T-A.
Other names: c.1542+3A>T (NM_198681.4, NM_001265594.3, NM_001042664.2 and 1 more transcripts); c.1653+3A>T (NM_001042663.3, NM_001265592.2); c.1749+3A>T (NM_001265593.2).
Identifiers: ClinVar variation 4795859 (VCV004795859.1).